The following is an entry in ClinVar:

NM_001134363.3(RBM20):c.895G>T (p.Glu299Ter)

Gene: RBM20 (RNA binding motif protein 20; plus strand). Cytogenetic location: 10q25.2.
Variant type: single nucleotide variant.
Coding change: c.895G>T on transcript NM_001134363.3 (MANE Select); coding-DNA position 895, G replaced by T.
Protein change: p.Glu299Ter; replaces glutamic acid 299 with a stop codon.
Molecular consequence: nonsense.
Genome position (GRCh38, 1-based): chr10:110,781,504, G>T. VCF-style: chr10-110781504-G-T. GRCh37 (hg19) VCF-style: chr10-112541262-G-T.
Other names: short protein forms E299*.
Identifiers: ClinVar variation 4775116 (VCV004775116.1).

ClinVar aggregate classification (germline): Pathogenic (1 of 4 stars; one submission).

Conditions:
Dilated cardiomyopathy 1DD (CMD1DD). Identifiers: Orphanet 154, MedGen C2750995, MONDO:0013168, OMIM 613172.

Submission:

Labcorp Genetics (formerly Invitae), Labcorp
Classification: Pathogenic for Dilated cardiomyopathy 1DD. Last evaluated: 2025-11-21. Review status: criteria provided, single submitter. Criteria: Invitae Variant Classification Sherloc (09022015). Collection method: clinical testing. Allele origin: germline.
Comment: This sequence change creates a premature translational stop signal (p.Glu299*) in the RBM20 gene. It is expected to result in an absent or disrupted protein product. Loss-of-function variants in RBM20 are known to be pathogenic (PMID: 20590677, 22004663, 38288598, 38510713, 40339755). This variant is not present in population databases (gnomAD no frequency). This variant has not been reported in the literature in individuals affected with RBM20-related conditions. For these reasons, this variant has been classified as Pathogenic.

Literature cited by the submitters: PubMed 20590677; PubMed 22004663; PubMed 38288598; PubMed 38510713; PubMed 40339755.